The following is an entry in ClinVar:

ClinVar aggregate classification (germline): Pathogenic/Likely pathogenic. Review status: criteria provided, multiple submitters, no conflicts (2 of 4 stars). 7 submissions from 6 submitters: Pathogenic (2); Likely pathogenic (5). Last evaluated 2025-09-24.

Conditions:
Cardiomyopathy (CMYO). Also called: Cardiomyopathies. Identifiers: Orphanet 167848, MedGen C0878544, MONDO:0004994, HP:0001638. Inheritance: Various modes of inheritance.
Dilated cardiomyopathy 1G (CMD1G). Identifiers: Orphanet 154, MedGen C1858763, MONDO:0011400, OMIM 604145.
Cardiovascular phenotype. Identifiers: MedGen CN230736.
Autosomal recessive limb-girdle muscular dystrophy type 2J (LGMDR10). Also called: Limb-girdle muscular dystrophy, type 2J; MUSCULAR DYSTROPHY, LIMB-GIRDLE, AUTOSOMAL RECESSIVE 10. Identifiers: Orphanet 140922, MedGen C1837342, MONDO:0012127, OMIM 608807.

Submissions (7):

Ambry Genetics
Classification: Likely pathogenic for Cardiovascular phenotype. Last evaluated: 2025-09-24. Review status: criteria provided, single submitter. Criteria: Ambry Variant Classification Scheme 2023. Collection method: clinical testing. Allele origin: germline.
Comment: The c.66201_66205delAGCTT alteration, located in exon 167 (coding exon 166) of the TTN gene, consists of a deletion of 5 nucleotides from position 66201 to 66205, causing a translational frameshift with a predicted alternate stop codon (p.W22069*). This alteration is expected to result in loss of function by premature protein truncation or nonsense-mediated mRNA decay. This variant was not reported in population-based cohorts in the Genome Aggregation Database (gnomAD). This variant was reported in individual(s) with features consistent with dilated cardiomyopathy (DCM) (Ziats, 2020; Ambry internal data). This exon is located in the A-band region of the N2-B isoform of the titin protein and is constitutively expressed in TTN transcripts (percent spliced in or PSI 100%). While truncating variants in TTN are present in 1-3% of the general population, truncating variants in the A-band are the most common cause of dilated cardiomyopathy (Herman, 2012; Roberts, 2015). TTN truncating variants encoded in constitutive exons (PSI >90%) have been found to be significantly associated with DCM regardless of their position in titin (Schafer, 2017; Akhtar, 2020; Massier, 2025). Based on the available evidence, this alteration is classified as likely pathogenic.

GeneDx
Classification: Pathogenic. Last evaluated: 2025-08-19. Review status: criteria provided, single submitter. Criteria: GeneDx Variant Classification Process June 2021. Collection method: clinical testing. Allele origin: germline. Affected: yes.
Comment: Not observed at significant frequency in large population cohorts (gnomAD); Nonsense variant predicted to result in protein truncation or nonsense mediated decay in a gene for which loss of function is a known mechanism of disease; This variant is associated with the following publications: (PMID: 31618753, 22335739, 32778822)

Labcorp Genetics (formerly Invitae), Labcorp
Classification: Likely pathogenic for Dilated cardiomyopathy 1G; Autosomal recessive limb-girdle muscular dystrophy type 2J. Last evaluated: 2025-05-27. Review status: criteria provided, single submitter. Criteria: Invitae Variant Classification Sherloc (09022015). Collection method: clinical testing. Allele origin: germline.
Comment: This sequence change creates a premature translational stop signal (p.Trp31134*) in the TTN gene. While this is not anticipated to result in nonsense mediated decay, it is expected to create a truncated TTN protein. This variant is not present in population databases (gnomAD no frequency). This variant has not been reported in the literature in individuals affected with TTN-related conditions. This variant is also known as c.85692_85696del. ClinVar contains an entry for this variant (Variation ID: 290698). This variant is located in the A band of TTN (PMID: 25589632). Truncating variants in this region are significantly overrepresented in patients affected with dilated cardiomyopathy (PMID: 25589632). Truncating variants in this region have also been reported in individuals affected with autosomal recessive centronuclear myopathy (PMID: 23975875). In summary, the currently available evidence indicates that the variant is pathogenic, but additional data are needed to prove that conclusively. Therefore, this variant has been classified as Likely Pathogenic.

CHEO Genetics Diagnostic Laboratory, Children's Hospital of Eastern Ontario
Classification: Pathogenic for Cardiomyopathy. Last evaluated: 2023-05-16. Review status: criteria provided, single submitter. Criteria: ACMG Guidelines, 2015. Collection method: clinical testing. Allele origin: germline.

Women's Health and Genetics/Laboratory Corporation of America, LabCorp
Classification: Likely pathogenic for Cardiomyopathy. Last evaluated: 2020-03-10. Review status: criteria provided, single submitter. Criteria: LabCorp Variant Classification Summary - May 2015. Collection method: clinical testing. Allele origin: germline.
Comment: Variant summary: TTN c.85692_85696delAGCTT (p.Trp28566X) results in a premature termination codon, predicted to cause a truncation of the encoded protein or absence of the protein due to nonsense mediated decay, which are commonly known mechanisms for disease. Frameshift and other truncating variants in TTN are strongly associated with DCM if they are located in the exons encoding for the A-band (PMID: 22335739, PMID: 24503780) and/or are located in an exon that is highly expressed in the heart (PMID: 25589632), which is the case for the c.85692_85696delAGCTT variant. The variant was absent in 248534 control chromosomes (gnomAD). To our knowledge, no occurrence of c.85692_85696delAGCTT in individuals affected with Cardiomyopathy and no experimental evidence demonstrating its impact on protein function have been reported. Three ClinVar submitters (evaluation after 2014) cite the variant as pathogenic (1x) and likely pathogenic (2x). Based on the evidence outlined above, the variant was classified as likely pathogenic.

Eurofins Ntd Llc (ga)
Classification: Likely pathogenic. Last evaluated: 2018-02-08. Review status: criteria provided, single submitter. Criteria: EGL Classification Definitions 2015. Collection method: clinical testing. Allele origin: germline. Observed: 2 variant alleles, 2 heterozygotes.

Labcorp Genetics (formerly Invitae), Labcorp
Classification: Likely pathogenic for Dilated cardiomyopathy 1G. Last evaluated: 2016-11-08. Review status: criteria provided, single submitter. Criteria: Invitae Variant Classification Sherloc (09022015). Collection method: clinical testing. Allele origin: germline.
Comment: This sequence change deletes 5 nucleotides from exon 339 of the TTN mRNA (c.93396_93400delAGCTT), causing a frameshift at codon 31134. This creates a premature translational stop signal (p.Trp31134*) and is expected to result in an absent or disrupted protein product. This variant is found in the A-band of the TTN gene. While this particular variant has not been reported in the literature, truncating variants in the A-band of TTN are significantly overrepresented in patients with dilated cardiomyopathy and are considered to be likely pathogenic for the disease (PMID: 25589632). For these reasons, this variant has been classified as Likely Pathogenic.

Literature cited by the submitters: PubMed 22335739 (cited by Ambry Genetics); PubMed 25589632 (cited by Ambry Genetics and Labcorp Genetics (formerly Invitae), Labcorp); PubMed 27869827 (cited by Ambry Genetics); PubMed 31618753 (cited by Ambry Genetics); PubMed 32964742 (cited by Ambry Genetics); PubMed 39844436 (cited by Ambry Genetics); PubMed 23975875 (cited by Labcorp Genetics (formerly Invitae), Labcorp).

NM_001267550.2(TTN):c.93396_93400del (p.Ala31133_Trp31134insTer)

Genes: TTN-AS1 (TTN antisense RNA 1; plus strand), TTN (titin; minus strand). Cytogenetic location: 2q31.2.
Variant type: Deletion.
Coding change: c.93396_93400del on transcript NM_001267550.2 (MANE Select); coding-DNA positions 93396 to 93400, 5 bases deleted (AGCTT; older notation c.93396_93400delAGCTT).
Protein change: p.Ala31133_Trp31134insTer.
Molecular consequence: frameshift variant.
Genome position (GRCh38, 1-based): chr2:178,548,226-178,548,230, AAGCT deleted on the plus strand (AGCTT on the coding strand, the reverse complement: TTN is on the minus strand); deleting any 5 consecutive bases within chr2:178,548,226-178,548,233 gives the same sequence; the c. name uses the placement nearest the transcript's 3' end. VCF-style (leftmost placement, unchanged base first): chr2-178548225-CAAGCT-C. GRCh37 (hg19) VCF-style: chr2-179412952-CAAGCT-C.
Other names: c.88473_88477delAGCTT (NM_001256850.1); c.88473_88477del, p.Ala29492_Trp29493insTer (NM_001256850.1); c.66201_66205del, p.Ala22068_Trp22069insTer (NM_003319.4); c.85692_85696del, p.Ala28565_Trp28566insTer (NM_133378.4); c.66576_66580del, p.Ala22193_Trp22194insTer (NM_133432.3); c.66777_66781del, p.Ala22260_Trp22261insTer (NM_133437.4); c.85692_85696delAGCTT (NM_133378.4); c.93396_93400delAGCTT (NM_001267550.2); and 2 more.
Identifiers: ClinVar variation 290698 (VCV000290698.29), dbSNP rs886044536, ClinGen allele CA10606880.